The following is an entry in ClinVar:

ClinVar aggregate classification (germline): Uncertain significance (1 of 4 stars; one submission).

Conditions:
Gastrointestinal stromal tumor. Also called: Gastrointestinal stroma tumor; Gastrointestinal stromal tumor, somatic. Identifiers: Orphanet 44890, MedGen C0238198, MeSH D046152, MONDO:0011719, OMIM 606764, HP:0100723.

Submission:

Labcorp Genetics (formerly Invitae), Labcorp
Classification: Uncertain significance for Gastrointestinal stromal tumor. Last evaluated: 2025-08-18. Review status: criteria provided, single submitter. Criteria: Invitae Variant Classification Sherloc (09022015). Collection method: clinical testing. Allele origin: germline.
Comment: This sequence change replaces serine, which is neutral and polar, with arginine, which is basic and polar, at codon 961 of the PDGFRA protein (p.Ser961Arg). This variant is not present in population databases (gnomAD no frequency). This variant has not been reported in the literature in individuals affected with PDGFRA-related conditions. An algorithm developed to predict the effect of missense changes on protein structure and function (PolyPhen-2) suggests that this variant is likely to be tolerated. In summary, the available evidence is currently insufficient to determine the role of this variant in disease. Therefore, it has been classified as a Variant of Uncertain Significance.

NM_006206.6(PDGFRA):c.2883T>G (p.Ser961Arg)

Gene: PDGFRA (platelet derived growth factor receptor alpha; plus strand). Cytogenetic location: 4q12.
Variant type: single nucleotide variant.
Coding change: c.2883T>G on transcript NM_006206.6 (MANE Select); coding-DNA position 2883, T replaced by G.
Protein change: p.Ser961Arg; replaces serine 961 with arginine.
Molecular consequence: missense variant.
Genome position (GRCh38, 1-based): chr4:54,290,315, T>G. VCF-style: chr4-54290315-T-G. GRCh37 (hg19) VCF-style: chr4-55156482-T-G.
Other names: c.2958T>G, p.Ser986Arg (NM_001347828.2); c.2883T>G, p.Ser961Arg (NM_001347829.2); c.2922T>G, p.Ser974Arg (NM_001347830.2); short protein forms S961R, S974R, S986R.
Identifiers: ClinVar variation 4811587 (VCV004811587.1).